The following is an entry in ClinVar:

NC_000006.11:g.(?_137143759)_(137147627_?)del

Gene: PEX7 (peroxisomal biogenesis factor 7; plus strand). Cytogenetic location: 6q23.3.
Variant type: Deletion.
Identifiers: ClinVar variation 3246075 (VCV003246075.1).

ClinVar aggregate classification (germline): Pathogenic (1 of 4 stars; one submission).

Conditions:
Peroxisome biogenesis disorder 9B. Also called: PEX7-Related Refsum Disease; PEROXISOME BIOGENESIS DISORDER, PEX7-RELATED, ATYPICAL; Refsum disease, adult, 2. Identifiers: Orphanet 773, MedGen C2749346, MONDO:0013945, OMIM 614879.

Submission:

Labcorp Genetics (formerly Invitae), Labcorp
Classification: Pathogenic for Peroxisome biogenesis disorder 9B. Last evaluated: 2023-11-21. Review status: criteria provided, single submitter. Criteria: Invitae Variant Classification Sherloc (09022015). Collection method: clinical testing. Allele origin: unknown.
Comment: This variant is a gross deletion of the genomic region encompassing exon(s) 1-3 of the PEX7 gene, which includes the initiator codon. This deletion extends beyond the assayed region for this gene and therefore may encompass additional genes. It is expected to result in an absent or disrupted protein product. Loss-of-function variants in PEX7 are known to be pathogenic (PMID: 12325024, 12522768, 20301447). This variant has not been reported in the literature in individuals affected with PEX7-related conditions. For these reasons, this variant has been classified as Pathogenic.

Literature cited by the submitters: PubMed 12325024; PubMed 12522768; PubMed 20301447.